The following is an entry in ClinVar:

NM_052867.4(NALCN):c.4072G>C (p.Gly1358Arg)

Gene: NALCN (sodium leak channel, non-selective; minus strand). Cytogenetic location: 13q32.3.
Variant type: single nucleotide variant.
Coding change: c.4072G>C on transcript NM_052867.4 (MANE Select); coding-DNA position 4072, G replaced by C.
Protein change: p.Gly1358Arg; replaces glycine 1358 with arginine.
Molecular consequence: missense variant.
Genome position (GRCh38, 1-based): chr13:101,074,545, C>G on the plus strand (G>C on the coding strand, the complement: NALCN is on the minus strand). VCF-style: chr13-101074545-C-G. GRCh37 (hg19) VCF-style: chr13-101726896-C-G.
Other names: c.3985G>C, p.Gly1329Arg (NM_001350750.2, NM_001350751.2); c.4159G>C, p.Gly1387Arg (NM_001350748.2); c.4072G>C, p.Gly1358Arg (NM_001350749.2); short protein forms G1329R, G1358R, G1387R.
Identifiers: ClinVar variation 2637253 (VCV002637253.2), dbSNP rs2033123271, ClinGen allele CA388649365.

ClinVar aggregate classification (germline): Uncertain significance (1 of 4 stars; one submission).

Conditions:
NALCN-related disorder. Also called: NALCN-related condition; NALCN-related disorders.

Allele frequency attached by ClinVar (database versions not stated): TOPMed below 0.00001.
gnomAD v4.1: 4 of 1,612,604 alleles (0.00025%); highest among the groups gnomAD compares: South Asian, 0.0011%; no homozygotes.

Submission:

PreventionGenetics, part of Exact Sciences
Classification: Uncertain significance for NALCN-related condition. Last evaluated: 2026-02-24. Review status: criteria provided, single submitter. Criteria: ACMG Guidelines, 2015. Collection method: clinical testing. Allele origin: germline.
Comment: The NALCN c.4072G>C variant is predicted to result in the amino acid substitution p.Gly1358Arg. To our knowledge, this variant has not been reported in the literature or in a large population database, indicating this variant is rare. At this time, the clinical significance of this variant is uncertain due to the absence of conclusive functional and genetic evidence.